The following is an entry in ClinVar:

NM_014846.4(WASHC5):c.420T>G (p.Cys140Trp)

Gene: WASHC5 (WASH complex subunit 5; minus strand). Cytogenetic location: 8q24.13.
Variant type: single nucleotide variant.
Coding change: c.420T>G on transcript NM_014846.4 (MANE Select); coding-DNA position 420, T replaced by G.
Protein change: p.Cys140Trp; replaces cysteine 140 with tryptophan.
Molecular consequence: missense variant. On other transcripts: 5 prime UTR variant (1).
Genome position (GRCh38, 1-based): chr8:125,081,759, A>C on the plus strand (T>G on the coding strand, the complement: WASHC5 is on the minus strand). VCF-style: chr8-125081759-A-C. GRCh37 (hg19) VCF-style: chr8-126094001-A-C.
Other names: c.-25T>G (NM_001330609.2); short protein forms C140W.
Identifiers: ClinVar variation 2948369 (VCV002948369.3), dbSNP rs148562491, ClinGen allele CA372267285.

ClinVar aggregate classification (germline): Uncertain significance (1 of 4 stars; one submission).

Conditions:
Hereditary spastic paraplegia 8 (SPG8). Also called: SPASTIC PARAPLEGIA 8, AUTOSOMAL DOMINANT. Identifiers: Orphanet 100989, MedGen C1863704, MONDO:0011339, OMIM 603563.
Ritscher-Schinzel syndrome. Also called: CRANIOCEREBELLOCARDIAC DYSPLASIA. Identifiers: Orphanet 7, MedGen C0796137, MONDO:0019078.

gnomAD v4.1: 3 of 1,594,078 alleles (0.00019%); highest among the groups gnomAD compares: Non-Finnish European, 0.00026%; no homozygotes.

Submission:

Labcorp Genetics (formerly Invitae), Labcorp
Classification: Uncertain significance for Ritscher-Schinzel syndrome; Hereditary spastic paraplegia 8. Last evaluated: 2023-05-30. Review status: criteria provided, single submitter. Criteria: Invitae Variant Classification Sherloc (09022015). Collection method: clinical testing. Allele origin: germline.
Comment: This sequence change replaces cysteine, which is neutral and slightly polar, with tryptophan, which is neutral and slightly polar, at codon 140 of the WASHC5 protein (p.Cys140Trp). In summary, the available evidence is currently insufficient to determine the role of this variant in disease. Therefore, it has been classified as a Variant of Uncertain Significance. An algorithm developed to predict the effect of missense changes on protein structure and function (PolyPhen-2) suggests that this variant is likely to be disruptive. This variant has not been reported in the literature in individuals affected with WASHC5-related conditions. This variant is not present in population databases (gnomAD no frequency).